The following is an entry in ClinVar:

ClinVar aggregate classification (germline): Uncertain significance (1 of 4 stars; one submission).

Conditions:
Basal cell nevus syndrome 1 (BCNS1). Also called: GORLIN-GOLTZ SYNDROME; MULTIPLE BASAL CELL NEVI, ODONTOGENIC KERATOCYSTS, AND SKELETAL ANOMALIES. Identifiers: MedGen CN376810, MONDO:0958174, OMIM 109400.

Submission:

Victorian Clinical Genetics Services, Murdoch Childrens Research Institute
Classification: Uncertain significance for Basal cell nevus syndrome 1. Last evaluated: 2023-07-16. Review status: criteria provided, single submitter. Criteria: ACMG Guidelines, 2015. Collection method: clinical testing. Allele origin: germline. Inheritance: Autosomal dominant inheritance. Affected: yes.
Comment: Based on the classification scheme VCGS_Germline_v1.3.4, this variant is classified as VUS-3B. Following criteria are met: 0102 - Loss of function is a known mechanism of disease in this gene and is associated with basal cell nevus syndrome (MIM#109400). Holoprosencephaly 7 (MIM#610828) may be associated with a gain of function mechanism (PMID: 18830227). (I) 0107 - This gene is associated with autosomal dominant disease. (I) 0115 - Variants in this gene are known to have variable expressivity with intrafamilial variability (OMIM). (I) 0200 - Variant is predicted to result in a missense amino acid change from glycine to alanine. (I) 0251 - This variant is heterozygous. (I) 0301 - Variant is absent from gnomAD (both v2 and v3). (SP) 0309 - An alternative amino acid change at the same position has been observed in gnomAD (v2, v3) (1 heterozygote, 0 homozygotes). (I) 0501 - Missense variant consistently predicted to be damaging by multiple in silico tools or highly conserved with a major amino acid change. (SP) 0604 - Variant is not located in an established domain, motif, hotspot or informative constraint region. (I) 0710 - Another missense variant comparable to the one identified in this case has inconclusive previous evidence for pathogenicity. This alternative change (p.(Gly288Asp)) has been reported as paternally inherited in an individual with multiple keratocystic odontogenic tumors, frontal bossing, telecanthus and palmar/plantar pits, who had an additional NMD-predicted variant in this gene (PMID: 18502968). (I) 0807 - This variant has no previous evidence of pathogenicity. (I) 0905 - No published segregation evidence has been identified for this variant. (I) 1007 - No published functional evidence has been identified for this variant. (I) 1208 - Inheritance information for this variant is not currently available in this individual. (I) Legend: (SP) - Supporting pathogenic, (I) - Information, (SB) - Supporting benign

Literature cited by the submitters: PubMed 18502968; PubMed 18830227.

NM_000264.5(PTCH1):c.863G>C (p.Gly288Ala)

Gene: PTCH1 (patched 1; minus strand). Cytogenetic location: 9q22.32.
Variant type: single nucleotide variant.
Coding change: c.863G>C on transcript NM_000264.5 (MANE Select); coding-DNA position 863, G replaced by C.
Protein change: p.Gly288Ala; replaces glycine 288 with alanine.
Molecular consequence: missense variant. On other transcripts: non-coding transcript variant (1).
Genome position (GRCh38, 1-based): chr9:95,480,472, C>G on the plus strand (G>C on the coding strand, the complement: PTCH1 is on the minus strand). VCF-style: chr9-95480472-C-G. GRCh37 (hg19) VCF-style: chr9-98242754-C-G.
Other names: c.665G>C, p.Gly222Ala (NM_001083602.3); c.860G>C, p.Gly287Ala (NM_001083603.3); c.410G>C, p.Gly137Ala (NM_001083604.3, NM_001083605.3, NM_001083606.3 and 1 more transcripts); c.863G>C, p.Gly288Ala (NM_001354918.2); short protein forms G137A, G222A, G287A, G288A.
Identifiers: ClinVar variation 3254653 (VCV003254653.1), dbSNP rs1178742053.